The following is an entry in ClinVar:

NM_000238.4(KCNH2):c.1415G>A (p.Arg472His)

Gene: KCNH2 (potassium voltage-gated channel subfamily H member 2; minus strand). Cytogenetic location: 7q36.1.
Variant type: single nucleotide variant.
Coding change: c.1415G>A on transcript NM_000238.4 (MANE Select); coding-DNA position 1415, G replaced by A.
Protein change: p.Arg472His; replaces arginine 472 with histidine.
Molecular consequence: missense variant.
Genome position (GRCh38, 1-based): chr7:150,952,567, C>T on the plus strand (G>A on the coding strand, the complement: KCNH2 is on the minus strand). VCF-style: chr7-150952567-C-T. GRCh37 (hg19) VCF-style: chr7-150649655-C-T.
Other names: c.395G>A, p.Arg132His (NM_001204798.2, NM_172057.3); c.1127G>A, p.Arg376His (NM_001406753.1, NM_001406756.1); c.1238G>A, p.Arg413His (NM_001406755.1); c.1115G>A, p.Arg372His (NM_001406757.1); c.1415G>A, p.Arg472His (NM_172056.3); short protein forms R132H, R372H, R376H, R413H, R472H.
Identifiers: ClinVar variation 1710245 (VCV001710245.7), dbSNP rs794728369, ClinGen allele CA070079.

ClinVar aggregate classification (germline): Uncertain significance. Review status: criteria provided, single submitter (1 of 4 stars). 2 submissions from 2 submitters: Uncertain significance (1). 1 of the submissions does not count toward it. Last evaluated 2022-05-11.

Conditions:
Long QT syndrome (LQTS). Identifiers: MedGen C0023976, MeSH D008133, MONDO:0002442. Disease mechanism: loss of function. Inheritance: Various modes of inheritance.
Long QT syndrome 2 (LQT2). Identifiers: Orphanet 101016, Orphanet 768, MedGen C3150943, MONDO:0013367, OMIM 613688.

Submissions (2):

Labcorp Genetics (formerly Invitae), Labcorp
Classification: Uncertain significance for Long QT syndrome. Last evaluated: 2022-05-11. Review status: criteria provided, single submitter. Criteria: Invitae Variant Classification Sherloc (09022015). Collection method: clinical testing. Allele origin: germline.
Comment: This variant has not been reported in the literature in individuals affected with KCNH2-related conditions. This sequence change replaces arginine, which is basic and polar, with histidine, which is basic and polar, at codon 472 of the KCNH2 protein (p.Arg472His). This variant is not present in population databases (gnomAD no frequency). Algorithms developed to predict the effect of missense changes on protein structure and function (SIFT, PolyPhen-2, Align-GVGD) all suggest that this variant is likely to be disruptive. In summary, the available evidence is currently insufficient to determine the role of this variant in disease. Therefore, it has been classified as a Variant of Uncertain Significance.

Clinical Genetics Laboratory, University Hospital Schleswig-Holstein
Classification: Likely pathogenic for Long QT syndrome 2. Last evaluated: 2022-05-02. Review status: no assertion criteria provided. Collection method: clinical testing. Allele origin: germline. Affected: yes. Not counted in ClinVar's aggregate classification.